The following is an entry in ClinVar:

ClinVar aggregate classification (germline): Uncertain significance. Review status: criteria provided, multiple submitters, no conflicts (2 of 4 stars). 2 submissions from 2 submitters: Uncertain significance (2). Last evaluated 2026-03-29.

Conditions:
Deafness-lymphedema-leukemia syndrome. Also called: Lymphedema, primary, with myelodysplasia; Emberger syndrome. Identifiers: Orphanet 3226, MedGen C3279664, MONDO:0013540, OMIM 614038.
Monocytopenia with susceptibility to infections. Also called: MONOCYTOPENIA AND MYCOBACTERIAL INFECTION SYNDROME; MONOCYTOPENIA WITH SUSCEPTIBILITY TO MYCOBACTERIAL, FUNGAL, AND PAPILLOMAVIRUS INFECTIONS AND MYELODYSPLASIA; COMBINED IMMUNODEFICIENCY WITH SUSCEPTIBILITY TO MYCOBACTERIAL, VIRAL, AND FUNGAL INFECTIONS; Dendritic cell, monocyte, B lymphocyte, and natural killer lymphocyte deficiency; IMMUNODEFICIENCY 21; GATA2 DEFICIENCY. Identifiers: Orphanet 228423, MedGen C3280030, MONDO:0013607, OMIM 614172.
Inborn genetic diseases. Identifiers: MedGen C0950123, MeSH D030342.

Submissions (2):

Ambry Genetics
Classification: Uncertain significance for Inborn genetic diseases. Last evaluated: 2026-03-29. Review status: criteria provided, single submitter. Criteria: Ambry Variant Classification Scheme 2023. Collection method: clinical testing. Allele origin: germline.
Comment: The p.L126R variant (also known as c.377T>G), located in coding exon 2 of the GATA2 gene, results from a T to G substitution at nucleotide position 377. The leucine at codon 126 is replaced by arginine, an amino acid with dissimilar properties. This amino acid position is conserved. In addition, this alteration is predicted to be deleterious by in silico analysis. Based on the available evidence, the clinical significance of this variant remains unclear.

Labcorp Genetics (formerly Invitae), Labcorp
Classification: Uncertain significance for Monocytopenia with susceptibility to infections; Deafness-lymphedema-leukemia syndrome. Last evaluated: 2021-07-15. Review status: criteria provided, single submitter. Criteria: Invitae Variant Classification Sherloc (09022015). Collection method: clinical testing. Allele origin: germline.
Comment: This variant has not been reported in the literature in individuals with GATA2-related conditions. Algorithms developed to predict the effect of missense changes on protein structure and function are either unavailable or do not agree on the potential impact of this missense change (SIFT: "Tolerated"; PolyPhen-2: "Probably Damaging"; Align-GVGD: "Class C0"). In summary, the available evidence is currently insufficient to determine the role of this variant in disease. Therefore, it has been classified as a Variant of Uncertain Significance. This variant is not present in population databases (ExAC no frequency). This sequence change replaces leucine with arginine at codon 126 of the GATA2 protein (p.Leu126Arg). The leucine residue is moderately conserved and there is a moderate physicochemical difference between leucine and arginine.

NM_032638.5(GATA2):c.377T>G (p.Leu126Arg)

Gene: GATA2 (GATA binding protein 2; minus strand). Cytogenetic location: 3q21.3.
Variant type: single nucleotide variant.
Coding change: c.377T>G on transcript NM_032638.5 (MANE Select); coding-DNA position 377, T replaced by G.
Protein change: p.Leu126Arg; replaces leucine 126 with arginine.
Molecular consequence: missense variant.
Genome position (GRCh38, 1-based): chr3:128,486,221, A>C on the plus strand (T>G on the coding strand, the complement: GATA2 is on the minus strand). VCF-style: chr3-128486221-A-C. GRCh37 (hg19) VCF-style: chr3-128205064-A-C.
Other names: c.377T>G, p.Leu126Arg (NM_001145661.2, NM_001145662.1); c.377T>G (NM_032638.4); short protein forms L126R.
Identifiers: ClinVar variation 1396760 (VCV001396760.9), dbSNP rs2107672753, ClinGen allele CA354407035.
Genomic context (GRCh38, chr3:128,486,221, plus strand): 5'-CCCCCAGCCCCTGGGTACACAGAGAGTGGGCCTCCAGGGCCTCCAGCAGCTGAGGGGTGC[A>C]GTGGCGTCTTGGAGAAGGGGCTCACGGTCCAGGGGTTGTGGTGGTGGGCCGCAGCGGCAG-3'
Protein context (NP_116027.2, residues 116-136): WTVSPFSKTP[Leu126Arg]HPSAAGGPGG